The following is an entry in ClinVar:

ClinVar aggregate classification (germline): Conflicting classifications of pathogenicity. Review status: criteria provided, conflicting classifications (1 of 4 stars). 4 submissions from 4 submitters: Pathogenic (1); Likely pathogenic (2); Uncertain significance (1). Last evaluated 2023-12-21.

Conditions:
ABCC9-related disorder. Also called: ABCC9-related disorders; ABCC9-related condition.
Hypertrichotic osteochondrodysplasia Cantu type. Also called: Cantú Syndrome; Cantu Syndrome. Identifiers: Orphanet 1517, MedGen C0795905, MONDO:0009406, OMIM 239850.
Dilated cardiomyopathy 1O (CMD1O). Also called: CARDIOMYOPATHY, DILATED, WITH VENTRICULAR TACHYCARDIA. Identifiers: Orphanet 154, MedGen C1837839, MONDO:0012062, OMIM 608569.

Allele frequency attached by ClinVar (database versions not stated): gnomAD exomes below 0.00001.
gnomAD v4.1: 2 of 1,612,548 alleles (0.00012%); highest among the groups gnomAD compares: Non-Finnish European, 0.00017%; no homozygotes.

Submissions (4):

Victorian Clinical Genetics Services, Murdoch Childrens Research Institute
Classification: Likely pathogenic for Hypertrichotic osteochondrodysplasia Cantu type. Last evaluated: 2023-12-21. Review status: criteria provided, single submitter. Criteria: ACMG Guidelines, 2015. Collection method: clinical testing. Allele origin: germline. Inheritance: Autosomal dominant inheritance. Affected: yes.
Comment: Based on the classification scheme VCGS_Germline_v1.3.4, this variant is classified as Likely pathogenic. Following criteria are met: 0103 - Loss of function and gain of function are known mechanisms of disease in this gene. Loss of function variants have been reported to cause dilated cardiomyopathy, 1O (MIM#608569) and intellectual disability and myopathy syndrome (MIM#619719), while gain of function variants have been reported to cause hypertrichotic osteochondrodysplasia (Cantu syndrome) (MIM#239850) (PMIDs: 22610116, 31575858). (I) 0108 - This gene is associated with both recessive and dominant disease. Cardiomyopathy, dilated, 1O (MIM#608569) and hypertrichotic osteochondrodysplasia (Cantu syndrome) (MIM#239850) have an autosomal dominant inheritance pattern, whereas intellectual disability and myopathy syndrome (MIM#619719) is autosomal recessive. (I) 0200 - Variant is predicted to result in a missense amino acid change from glycine to serine. (I) 0251 - This variant is heterozygous. (I) 0301 - Variant is absent from gnomAD (both v2 and v3). (SP) 0501 - Missense variant consistently predicted to be damaging by multiple in silico tools or highly conserved with a major amino acid change. (SP) 0600 - Variant is located in the annotated ABC transporter transmembrane region (DECIPHER). (I) 0705 - No comparable missense variants have previous evidence for pathogenicity. (I) 0802 - This variant has moderate previous evidence of pathogenicity in unrelated individuals. This variant has been classified as pathogenic by a clinical laboratory in ClinVar, and has been observed as de novo in an individual with syndromic developmental delay (DECIPHER). This variant has also been classified as a VUS by a clinical laboratory in ClinVar. (SP) 0905 - No published segregation evidence has been identified for this variant. (I) 1007 - No published functional evidence has been identified for this variant. (SP) Legend: (SP) - Supporting pathogenic, (I) - Information, (SB) - Supporting benign

GeneDx
Classification: Pathogenic. Last evaluated: 2023-05-12. Review status: criteria provided, single submitter. Criteria: GeneDx Variant Classification Process June 2021. Collection method: clinical testing. Allele origin: germline. Affected: yes.
Comment: Not observed at significant frequency in large population cohorts (gnomAD); In silico analysis supports that this missense variant has a deleterious effect on protein structure/function; This variant is associated with the following publications: (PMID: 25533962, 31785789)

Blueprint Genetics
Classification: Likely pathogenic for ABCC9-related disorders. Last evaluated: 2022-07-18. Review status: criteria provided, single submitter. Criteria: ACMG Guidelines, 2015. Collection method: clinical testing. Allele origin: germline. Affected: yes. Observed: 3 variant alleles.

Labcorp Genetics (formerly Invitae), Labcorp
Classification: Uncertain significance for Dilated cardiomyopathy 1O. Last evaluated: 2017-08-10. Review status: criteria provided, single submitter. Criteria: Invitae Variant Classification Sherloc (09022015). Collection method: clinical testing. Allele origin: germline.
Comment: In summary, the available evidence is currently insufficient to determine the role of this variant in disease. Therefore, it has been classified as a Variant of Uncertain Significance. Algorithms developed to predict the effect of sequence changes on RNA splicing suggest that this variant may create or strengthen a splice site, but this prediction has not been confirmed by published transcriptional studies. Algorithms developed to predict the effect of missense changes on protein structure and function do not agree on the potential impact of this missense change (SIFT: "Deleterious"; PolyPhen-2: "Probably Damaging"; Align-GVGD: "Class C0"). This variant has not been reported in the literature in individuals with ABCC9-related disease. ClinVar contains an entry for this variant (Variation ID: 410814). This variant is not present in population databases (ExAC no frequency). This sequence change replaces glycine with serine at codon 459 of the ABCC9 protein (p.Gly459Ser). The glycine residue is highly conserved and there is a small physicochemical difference between glycine and serine.

Literature cited by the submitters: PubMed 22610116 (cited by Victorian Clinical Genetics Services, Murdoch Childrens Research Institute); PubMed 31575858 (cited by Victorian Clinical Genetics Services, Murdoch Childrens Research Institute).

NM_020297.4(ABCC9):c.1375G>A (p.Gly459Ser)

Gene: ABCC9 (ATP binding cassette subfamily C member 9; minus strand). Cytogenetic location: 12p12.1.
Variant type: single nucleotide variant.
Coding change: c.1375G>A on transcript NM_020297.4 (MANE Select); coding-DNA position 1375, G replaced by A.
Protein change: p.Gly459Ser; replaces glycine 459 with serine.
Molecular consequence: missense variant.
Genome position (GRCh38, 1-based): chr12:21,908,157, C>T on the plus strand (G>A on the coding strand, the complement: ABCC9 is on the minus strand). VCF-style: chr12-21908157-C-T. GRCh37 (hg19) VCF-style: chr12-22061091-C-T.
Other names: c.1375G>A (NM_020297.3, NM_020297.2); c.1375G>A, p.Gly459Ser (NM_001377273.1, NM_005691.4); c.511G>A, p.Gly171Ser (NM_001377274.1); short protein forms G459S, G171S.
Identifiers: ClinVar variation 410814 (VCV000410814.11), dbSNP rs1060503051, ClinGen allele CA16613773.
Genomic context (GRCh38, chr12:21,908,157, plus strand): 5'-CTGCCAACTTTGTAGCAATAAAGTACTGAATTGGCGCAAGGAGCACAATGACAGCTGCAC[C>T]GACCAATGCACTTGATCCAAGTAAATTATAGAGCAGAATCACGCCCATTATGATCTAGAG-3'
Protein context (NP_064693.2, residues 449-469): YNLLGSSALV[Gly459Ser]AAVIVLLAPI